The following is an entry in ClinVar:

NM_004984.4(KIF5A):c.1150G>C (p.Gly384Arg)

Gene: KIF5A (kinesin family member 5A; plus strand). Cytogenetic location: 12q13.3.
Variant type: single nucleotide variant.
Coding change: c.1150G>C on transcript NM_004984.4 (MANE Select); coding-DNA position 1150, G replaced by C.
Protein change: p.Gly384Arg; replaces glycine 384 with arginine.
Molecular consequence: missense variant.
Genome position (GRCh38, 1-based): chr12:57,570,019, G>C. VCF-style: chr12-57570019-G-C. GRCh37 (hg19) VCF-style: chr12-57963802-G-C.
Other names: c.883G>C, p.Gly295Arg (NM_001354705.2); short protein forms G384R, G295R.
Identifiers: ClinVar variation 287325 (VCV000287325.56), dbSNP rs143326964, ClinGen allele CA6652775.
Genomic context (GRCh38, chr12:57,570,019, plus strand): 5'-TCTCTCACCTCGTCTTGCCCCTTTGCAGGAGAGAATGTGCCTGAGACAGAGCGCCTGGCT[G>C]GGGAGGAGGCAGCCCTGGGAGCCGAGCTCTGTGAGGAGACCCCTGTGAATGACAACTCAT-3'
Protein context (NP_004975.2, residues 374-394): ENVPETERLA[Gly384Arg]EEAALGAELC

ClinVar aggregate classification (germline): Conflicting classifications of pathogenicity. Review status: criteria provided, conflicting classifications (1 of 4 stars). 12 submissions from 12 submitters: Uncertain significance (3); Likely benign (8). 1 of the submissions does not count toward it. Last evaluated 2026-07-01.

Conditions:
Spastic paraplegia. Identifiers: MedGen C0037772, HP:0001258.
Hereditary spastic paraplegia. Also called: Familial spastic paraparesis. Identifiers: Orphanet 685, MedGen C0037773, MONDO:0019064. Disease mechanism: loss of function.
Hereditary spastic paraplegia 10 (SPG10). Also called: SPASTIC PARAPLEGIA 10, AUTOSOMAL DOMINANT; SPASTIC PARAPLEGIA 10 WITH OR WITHOUT PERIPHERAL NEUROPATHY; SPASTIC PARAPLEGIA 10 WITH PERIPHERAL NEUROPATHY. Identifiers: Orphanet 100991, MedGen C1858712, MONDO:0011408, OMIM 604187.
Inborn genetic diseases. Identifiers: MedGen C0950123, MeSH D030342.
KIF5A-related disorder. Also called: KIF5A-related condition; KIF5A-related disorders.

Allele frequency attached by ClinVar (database versions not stated): 1000 Genomes Project 30x 0.00031; ExAC 0.00039; 1000 Genomes Project 0.00040; TOPMed 0.00044; gnomAD exomes 0.00045 and 0.00051; ESP Exome Variant Server 0.00046; gnomAD 0.00060 and 0.00064.
gnomAD v4.1: 839 of 1,613,702 alleles (0.052%); highest among the groups gnomAD compares: Admixed American, 0.13%; 3 homozygotes.

Submissions (12):

CeGaT Center for Human Genetics Tuebingen
Classification: Likely benign. Last evaluated: 2026-07-01. Review status: criteria provided, single submitter. Criteria: CeGaT Center For Human Genetics Tuebingen Variant Classification Criteria Version 2. Collection method: clinical testing. Allele origin: germline. Affected: yes. Observed: 6 variant alleles.
Comment: KIF5A: BS1

Labcorp Genetics (formerly Invitae), Labcorp
Classification: Likely benign for Spastic paraplegia. Last evaluated: 2026-02-02. Review status: criteria provided, single submitter. Criteria: Invitae Variant Classification Sherloc (09022015). Collection method: clinical testing. Allele origin: germline.

Women's Health and Genetics/Laboratory Corporation of America, LabCorp
Classification: Likely benign. Last evaluated: 2025-12-09. Review status: criteria provided, single submitter. Criteria: LabCorp Variant Classification Summary - May 2015. Collection method: clinical testing. Allele origin: germline.
Comment: Variant summary: KIF5A c.1150G>C (p.Gly384Arg) results in a non-conservative amino acid change in the encoded protein sequence. Algorithms developed to predict the effect of missense changes on protein structure and function are either unavailable or do not agree on the potential impact of this missense change. The variant allele was found at a frequency of 0.00052 in 1613702 control chromosomes, predominantly at a frequency of 0.0013 within the Latino subpopulation in the gnomAD database. The observed variant frequency within Latino control individuals in the gnomAD database exceeds the estimated maximal expected allele frequency for disease-causing variants in KIF5A. c.1150G>C has been observed in at least two individuals affected with primary progressive multiple sclerosis, without strong evidence of causality (example: Jia_2018). These reports do not provide unequivocal conclusions about association of the variant with KIF5A-related disorders. To our knowledge, no experimental evidence demonstrating an impact on protein function has been reported. The following publication has been ascertained in the context of this evaluation (PMID: 29908077). ClinVar contains an entry for this variant (Variation ID: 287325). Based on the evidence outlined above, the variant was classified as likely benign.

Blueprint Genetics
Classification: Likely benign. Last evaluated: 2024-09-24. Review status: criteria provided, single submitter. Criteria: ACMG Guidelines, 2015. Collection method: clinical testing. Allele origin: germline.

ARUP Laboratories, Molecular Genetics and Genomics, ARUP Laboratories
Classification: Likely benign. Last evaluated: 2021-11-16. Review status: criteria provided, single submitter. Criteria: ARUP Molecular Germline Variant Investigation Process 2021. Collection method: clinical testing. Allele origin: germline.

Ambry Genetics
Classification: Uncertain significance for Inborn genetic diseases. Last evaluated: 2021-06-11. Review status: criteria provided, single submitter. Criteria: Ambry Variant Classification Scheme 2023. Collection method: clinical testing. Allele origin: germline.

GeneDx
Classification: Likely benign. Last evaluated: 2020-09-22. Review status: criteria provided, single submitter. Criteria: GeneDx Variant Classification Process June 2021. Collection method: clinical testing. Allele origin: germline. Affected: yes.

Illumina Laboratory Services, Illumina
Classification: Likely benign for Hereditary spastic paraplegia 10. Last evaluated: 2018-01-13. Review status: criteria provided, single submitter. Criteria: ICSL Variant Classification Criteria 13 December 2019. Collection method: clinical testing. Allele origin: germline.
Comment: This variant was observed in the ICSL laboratory as part of a predisposition screen in an ostensibly healthy population. It had not been previously curated by ICSL or reported in the Human Gene Mutation Database (HGMD: prior to June 1st, 2018), and was therefore a candidate for classification through an automated scoring system. Utilizing variant allele frequency, disease prevalence and penetrance estimates, and inheritance mode, an automated score was calculated to assess if this variant is too frequent to cause the disease. Based on the score and internal cut-off values, a variant classified as likely benign is not then subjected to further curation. The score for this variant resulted in a classification of likely benign for this disease.

Genome Diagnostics Laboratory, The Hospital for Sick Children
Classification: Uncertain significance for Hereditary spastic paraplegia. Last evaluated: 2017-12-01. Review status: criteria provided, single submitter. Criteria: ACMG Guidelines, 2015. Collection method: clinical testing. Allele origin: germline. Affected: yes.

Athena Diagnostics
Classification: Likely benign. Last evaluated: 2016-10-14. Review status: criteria provided, single submitter. Criteria: Athena Diagnostics Criteria. Collection method: clinical testing. Allele origin: germline.

Eurofins Ntd Llc (ga)
Classification: Uncertain significance. Last evaluated: 2016-04-26. Review status: criteria provided, single submitter. Criteria: EGL Classification Definitions 2015. Collection method: clinical testing. Allele origin: germline. Observed: 1 variant allele, 1 heterozygote.

PreventionGenetics, part of Exact Sciences
Classification: Likely benign for KIF5A-related condition. Last evaluated: 2023-03-08. Review status: no assertion criteria provided. Collection method: clinical testing. Allele origin: germline. Not counted in ClinVar's aggregate classification.
Comment: This variant is classified as likely benign based on ACMG/AMP sequence variant interpretation guidelines (Richards et al. 2015 PMID: 25741868, with internal and published modifications).

Literature cited by the submitters: PubMed 29908077 (cited by Women's Health and Genetics/Laboratory Corporation of America, LabCorp).